The following is an entry in ClinVar:

NM_001943.5(DSG2):c.3151C>A (p.Leu1051Ile)

Genes: DSG2-AS1 (DSG2 antisense RNA 1; minus strand), DSG2 (desmoglein 2; plus strand). Cytogenetic location: 18q12.1.
Variant type: single nucleotide variant.
Coding change: c.3151C>A on transcript NM_001943.5 (MANE Select); coding-DNA position 3151, C replaced by A.
Protein change: p.Leu1051Ile; replaces leucine 1051 with isoleucine.
Molecular consequence: missense variant.
Genome position (GRCh38, 1-based): chr18:31,546,537, C>A. VCF-style: chr18-31546537-C-A. GRCh37 (hg19) VCF-style: chr18-29126500-C-A.
Other names: short protein forms L1051I.
Identifiers: ClinVar variation 3015131 (VCV003015131.3), dbSNP rs2848674, ClinGen allele CA402148709.
Genomic context (GRCh38, chr18:31,546,537, plus strand): 5'-CCTACTCTGGCCATGCCTAATATAGCAGTAGGACAGAATGTGACAGTGACAGAAAGAGTT[C>A]TAGCACCTGCTTCCACTCTGCAATCCAGTTACCAGATTCCCACTGAAAATTCTATGACGG-3'
Protein context (NP_001934.2, residues 1041-1061): GQNVTVTERV[Leu1051Ile]APASTLQSSY

ClinVar aggregate classification (germline): Uncertain significance (1 of 4 stars; one submission).

Conditions:
Arrhythmogenic right ventricular dysplasia 10. Also called: ARRHYTHMOGENIC RIGHT VENTRICULAR DYSPLASIA, FAMILIAL, 10; Arrhythmogenic Right Ventricular Dysplasia/Cardiomyopathy10; Arrhythmogenic right ventricular dysplasia/cardiomyopathy, type 10. Identifiers: MedGen C1857777, MONDO:0012434, OMIM 610193.

Submission:

Labcorp Genetics (formerly Invitae), Labcorp
Classification: Uncertain significance for Arrhythmogenic right ventricular dysplasia 10. Last evaluated: 2022-12-01. Review status: criteria provided, single submitter. Criteria: Invitae Variant Classification Sherloc (09022015). Collection method: clinical testing. Allele origin: germline.
Comment: In summary, the available evidence is currently insufficient to determine the role of this variant in disease. Therefore, it has been classified as a Variant of Uncertain Significance. Advanced modeling of protein sequence and biophysical properties (such as structural, functional, and spatial information, amino acid conservation, physicochemical variation, residue mobility, and thermodynamic stability) performed at Invitae indicates that this missense variant is not expected to disrupt DSG2 protein function. This variant has not been reported in the literature in individuals affected with DSG2-related conditions. This variant is not present in population databases (gnomAD no frequency). This sequence change replaces leucine, which is neutral and non-polar, with isoleucine, which is neutral and non-polar, at codon 1051 of the DSG2 protein (p.Leu1051Ile).